The following is an entry in ClinVar:

ClinVar aggregate classification (germline): Benign/Likely benign. Review status: criteria provided, multiple submitters, no conflicts (2 of 4 stars). 5 submissions from 5 submitters: Benign (3); Likely benign (2). Last evaluated 2026-01-05.

Conditions:
Action myoclonus-renal failure syndrome. Also called: MYOCLONUS-NEPHROPATHY SYNDROME; SCARB2-Related Action Myoclonus-Renal Failure Syndrome; EPILEPSY, PROGRESSIVE MYOCLONIC, 4, WITH RENAL FAILURE; EPILEPSY, PROGRESSIVE MYOCLONIC, 4, WITHOUT RENAL FAILURE. Identifiers: Orphanet 163696, MedGen C0751779, MeSH D020191, MONDO:0009699, OMIM 254900.
Progressive myoclonic epilepsy. Also called: Familial progressive myoclonic epilepsy; Myoclonic Epilepsies, Progressive; Myoclonus epilepsy; Progressive myoclonus epilepsy. Identifiers: Orphanet 308, Orphanet 98261, MedGen C0751778, MONDO:0020074.

Allele frequency attached by ClinVar (database versions not stated): TOPMed 0.00020; ESP Exome Variant Server 0.00023; 1000 Genomes Project 30x 0.00031; 1000 Genomes Project 0.00040; gnomAD exomes 0.00115 and 0.00288; gnomAD 0.00225 and 0.00232; ExAC 0.00292.
gnomAD v4.1: 2,024 of 1,613,828 alleles (0.13%); highest among the groups gnomAD compares: East Asian, 0.047%; 34 homozygotes.

Submissions (5):

Labcorp Genetics (formerly Invitae), Labcorp
Classification: Benign for Progressive myoclonic epilepsy. Last evaluated: 2026-01-05. Review status: criteria provided, single submitter. Criteria: Invitae Variant Classification Sherloc (09022015). Collection method: clinical testing. Allele origin: germline.

Blueprint Genetics
Classification: Likely benign. Last evaluated: 2024-11-25. Review status: criteria provided, single submitter. Criteria: ACMG Guidelines, 2015. Collection method: clinical testing. Allele origin: germline.

Fulgent Genetics
Classification: Likely benign for Action myoclonus-renal failure syndrome. Last evaluated: 2021-10-27. Review status: criteria provided, single submitter. Criteria: ACMG Guidelines, 2015. Collection method: clinical testing. Allele origin: unknown.

GeneDx
Classification: Benign. Last evaluated: 2015-06-22. Review status: criteria provided, single submitter. Criteria: GeneDx Variant Classification (06012015). Collection method: clinical testing. Allele origin: germline. Affected: yes.
Comment: This variant is considered likely benign or benign based on one or more of the following criteria: it is a conservative change, it occurs at a poorly conserved position in the protein, it is predicted to be benign by multiple in silico algorithms, and/or has population frequency not consistent with disease.

PreventionGenetics, part of Exact Sciences
Classification: Benign. Review status: criteria provided, single submitter. Criteria: ACMG Guidelines, 2015. Collection method: clinical testing. Allele origin: germline.

NM_005506.4(SCARB2):c.171T>C (p.Pro57=)

Gene: SCARB2 (scavenger receptor class B member 2; minus strand). Cytogenetic location: 4q21.1.
Variant type: single nucleotide variant.
Coding change: c.171T>C on transcript NM_005506.4 (MANE Select); coding-DNA position 171, T replaced by C.
Protein change: p.Pro57=; no amino-acid change (proline 57 retained).
Molecular consequence: synonymous variant.
Genome position (GRCh38, 1-based): chr4:76,195,811, A>G on the plus strand (T>C on the coding strand, the complement: SCARB2 is on the minus strand). VCF-style: chr4-76195811-A-G. GRCh37 (hg19) VCF-style: chr4-77116964-A-G.
Other names: c.171T>C, p.Pro57= (NM_001204255.2).
Identifiers: ClinVar variation 259781 (VCV000259781.15), dbSNP rs199895330, ClinGen allele CA2970397.
Genomic context (GRCh38, chr4:76,195,811, plus strand): 5'-TCTGAGGATCTCCTCTGGATTGGTGACATTGAAGAAATAGAACTGAGTATACACAGGCAG[A>G]GGGGGCTTCTCCCAGGAGTCAAATGCCTCAGTACCATTCCTTAACACAATTTTCTAGGAA-3'
Protein context (NP_005497.1, residues 47-67): TEAFDSWEKP[Pro57=]LPVYTQFYFF